The following is an entry in ClinVar:

ClinVar aggregate classification (germline): Uncertain significance (1 of 4 stars; one submission).

Conditions:
Inborn genetic diseases. Identifiers: MedGen C0950123, MeSH D030342.

Allele frequency attached by ClinVar (database versions not stated): gnomAD exomes below 0.00001.
gnomAD v4.1: 2 of 1,614,104 alleles (0.00012%); highest among the groups gnomAD compares: Non-Finnish European, 0.000085%; no homozygotes.

Submission:

Ambry Genetics
Classification: Uncertain significance for Inborn genetic diseases. Last evaluated: 2022-09-19. Review status: criteria provided, single submitter. Criteria: Ambry Variant Classification Scheme 2023. Collection method: clinical testing. Allele origin: germline.
Comment: The p.T932A variant (also known as c.2794A>G), located in coding exon 21 of the BUB1B gene, results from an A to G substitution at nucleotide position 2794. The threonine at codon 932 is replaced by alanine, an amino acid with similar properties. This amino acid position is conserved. In addition, this alteration is predicted to be tolerated by in silico analysis. Since supporting evidence is limited at this time, the clinical significance of this alteration remains unclear.

NM_001211.6(BUB1B):c.2794A>G (p.Thr932Ala)

Genes: BUB1B (BUB1 mitotic checkpoint serine/threonine kinase B; plus strand), BUB1B-PAK6 (BUB1B-PAK6 readthrough; plus strand). Cytogenetic location: 15q15.1.
Variant type: single nucleotide variant.
Coding change: c.2794A>G on transcript NM_001211.6 (MANE Select); coding-DNA position 2794, A replaced by G.
Protein change: p.Thr932Ala; replaces threonine 932 with alanine.
Molecular consequence: missense variant. On other transcripts: 5 prime UTR variant (2).
Genome position (GRCh38, 1-based): chr15:40,217,611, A>G. VCF-style: chr15-40217611-A-G. GRCh37 (hg19) VCF-style: chr15-40509812-A-G.
Other names: c.-257A>G (NM_001128628.3); c.-174A>G (NM_001128629.3); short protein forms T932A.
Identifiers: ClinVar variation 1796080 (VCV001796080.2), dbSNP rs2542584961, ClinGen allele CA391688001.
Genomic context (GRCh38, chr15:40,217,611, plus strand): 5'-TTTTCCTACAGTGTTGACCTTAGGGTGCAGCTGGATGTTTTTACCCTCAGCGGCTTTCGG[A>G]CTGTACAGATCCTGGAAGGACAAAAGATCCTGGCTAACTGTTCTTCTCCCTACCAGGTAA-3'
Protein context (NP_001202.5, residues 922-942): LDVFTLSGFR[Thr932Ala]VQILEGQKIL